The following is an entry in ClinVar:

ClinVar aggregate classification (germline): Uncertain significance (1 of 4 stars; one submission).

Conditions:
Neurofibromatosis, type 1 (NF1). Also called: VON RECKLINGHAUSEN DISEASE; NEUROFIBROMATOSIS, TYPE I, SOMATIC; Peripheral type neurofibromatosis; Neurofibromatosis, type I. Identifiers: Orphanet 636, MedGen C0027831, MONDO:0018975, OMIM 162200. Disease mechanism: loss of function.

Submission:

Labcorp Genetics (formerly Invitae), Labcorp
Classification: Uncertain significance for Neurofibromatosis, type 1. Last evaluated: 2020-03-18. Review status: criteria provided, single submitter. Criteria: Invitae Variant Classification Sherloc (09022015). Collection method: clinical testing. Allele origin: germline.
Comment: This sequence change replaces histidine with leucine at codon 2786 of the NF1 protein (p.His2786Leu). The histidine residue is moderately conserved and there is a moderate physicochemical difference between histidine and leucine. This variant is not present in population databases (ExAC no frequency). In summary, the available evidence is currently insufficient to determine the role of this variant in disease. Therefore, it has been classified as a Variant of Uncertain Significance. Algorithms developed to predict the effect of missense changes on protein structure and function are either unavailable or do not agree on the potential impact of this missense change (SIFT: "Deleterious"; PolyPhen-2: "Benign"; Align-GVGD: "Class C0"). This variant has not been reported in the literature in individuals with NF1-related conditions.

NM_001042492.3(NF1):c.8420A>T (p.His2807Leu)

Gene: NF1 (neurofibromin 1; plus strand). Cytogenetic location: 17q11.2.
Variant type: single nucleotide variant.
Coding change: c.8420A>T on transcript NM_001042492.3 (MANE Select); coding-DNA position 8420, A replaced by T.
Protein change: p.His2807Leu; replaces histidine 2807 with leucine.
Molecular consequence: missense variant.
Genome position (GRCh38, 1-based): chr17:31,374,055, A>T. VCF-style: chr17-31374055-A-T. GRCh37 (hg19) VCF-style: chr17-29701073-A-T.
Other names: c.8357A>T, p.His2786Leu (NM_000267.4); short protein forms H2786L, H2807L.
Identifiers: ClinVar variation 1041792 (VCV001041792.5), dbSNP rs2070695954, ClinGen allele CA399205937.